The following is an entry in ClinVar:

NM_005359.6(SMAD4):c.334_335del (p.His111_Val112insTer)

Gene: SMAD4 (SMAD family member 4; plus strand). Cytogenetic location: 18q21.2.
Variant type: Deletion.
Coding change: c.334_335del on transcript NM_005359.6 (MANE Select); coding-DNA positions 334 to 335, 2 bases deleted (GT; older notation c.334_335delGT).
Protein change: p.His111_Val112insTer.
Molecular consequence: nonsense. On other transcripts: non-coding transcript variant (2).
Genome position (GRCh38, 1-based): chr18:51,048,770-51,048,771, GT deleted; deleting any 2 consecutive bases within chr18:51,048,769-51,048,771 gives the same sequence; the c. name uses the placement nearest the transcript's 3' end. VCF-style (leftmost placement, unchanged base first): chr18-51048768-ATG-A. GRCh37 (hg19) VCF-style: chr18-48575138-ATG-A.
Other names: c.334_335del, p.His111_Val112insTer (NM_001407041.1, NM_001407042.1, NM_001407043.1).
Identifiers: ClinVar variation 3238411 (VCV003238411.1), dbSNP rs2511369501.

ClinVar aggregate classification (germline): Pathogenic (1 of 4 stars; one submission).

Conditions:
Hereditary cancer-predisposing syndrome. Also called: Neoplastic Syndromes, Hereditary; Tumor predisposition; Hereditary neoplastic syndrome; Hereditary Cancer Syndrome. Identifiers: Orphanet 140162, MedGen C0027672, MeSH D009386, MONDO:0015356.
Familial thoracic aortic aneurysm and aortic dissection (TAAD). Also called: Thoracic aortic aneurysms and dissections. Identifiers: Orphanet 91387, MedGen C4707243, MONDO:0019625.

Submission:

Ambry Genetics
Classification: Pathogenic for Hereditary cancer-predisposing syndrome; Familial thoracic aortic aneurysm and aortic dissection. Last evaluated: 2023-05-31. Review status: criteria provided, single submitter. Criteria: Ambry Variant Classification Scheme 2023. Collection method: clinical testing. Allele origin: germline.
Comment: The c.334_335delGT pathogenic mutation, located in coding exon 2 of the SMAD4 gene, results from a deletion of two nucleotides at nucleotide positions 334 to 335, causing a translational frameshift with a predicted alternate stop codon (p.V112*). This alteration is expected to result in loss of function by premature protein truncation or nonsense-mediated mRNA decay. As such, this alteration is interpreted as a disease-causing mutation.